The following is an entry in ClinVar:

NM_003060.4(SLC22A5):c.1361A>T (p.Tyr454Phe)

Gene: SLC22A5 (solute carrier family 22 member 5; plus strand). Cytogenetic location: 5q31.1.
Variant type: single nucleotide variant.
Coding change: c.1361A>T on transcript NM_003060.4 (MANE Select); coding-DNA position 1361, A replaced by T.
Protein change: p.Tyr454Phe; replaces tyrosine 454 with phenylalanine.
Molecular consequence: missense variant.
Genome position (GRCh38, 1-based): chr5:132,392,526, A>T. VCF-style: chr5-132392526-A-T. GRCh37 (hg19) VCF-style: chr5-131728218-A-T.
Other names: c.1433A>T, p.Tyr478Phe (NM_001308122.2); short protein forms Y454F, Y478F.
Identifiers: ClinVar variation 2195866 (VCV002195866.4), dbSNP rs754265674, ClinGen allele CA3404140.

ClinVar aggregate classification (germline): Uncertain significance (1 of 4 stars; one submission).

Conditions:
Renal carnitine transport defect (CDSP). Also called: Carnitine transporter deficiency; Primary carnitine deficiency; Carnitine Deficiency, Systemic; Systemic primary carnitine deficiency; CARNITINE DEFICIENCY, SYSTEMIC, DUE TO DEFECT IN RENAL REABSORPTION OF CARNITINE; CARNITINE TRANSPORTER, PLASMA-MEMBRANE, DEFICIENCY OF. Identifiers: Orphanet 158, MedGen C0342788, MONDO:0008919, OMIM 212140.

Allele frequency attached by ClinVar (database versions not stated): gnomAD exomes below 0.00001; ExAC 0.00002.
gnomAD v4.1: 2 of 1,614,054 alleles (0.00012%); highest among the groups gnomAD compares: Non-Finnish European, 0.00017%; no homozygotes.

Submission:

Labcorp Genetics (formerly Invitae), Labcorp
Classification: Uncertain significance for Renal carnitine transport defect. Last evaluated: 2021-12-18. Review status: criteria provided, single submitter. Criteria: Invitae Variant Classification Sherloc (09022015). Collection method: clinical testing. Allele origin: germline.
Comment: This sequence change replaces tyrosine, which is neutral and polar, with phenylalanine, which is neutral and non-polar, at codon 454 of the SLC22A5 protein (p.Tyr454Phe). This variant is present in population databases (rs754265674, gnomAD 0.002%). This variant has not been reported in the literature in individuals affected with SLC22A5-related conditions. Advanced modeling of protein sequence and biophysical properties (such as structural, functional, and spatial information, amino acid conservation, physicochemical variation, residue mobility, and thermodynamic stability) performed at Invitae indicates that this missense variant is expected to disrupt SLC22A5 protein function. Experimental studies have shown that this missense change does not substantially affect SLC22A5 function (PMID: 14665638). In summary, the available evidence is currently insufficient to determine the role of this variant in disease. Therefore, it has been classified as a Variant of Uncertain Significance.

Literature cited by the submitters: PubMed 14665638.